The following is an entry in ClinVar:

ClinVar aggregate classification (germline): Uncertain significance (1 of 4 stars; one submission).

Conditions:
Multiple gastrointestinal atresias. Also called: FAMILIAL INTESTINAL POLYATRESIA SYNDROME; Multiple intestinal atresia. Identifiers: Orphanet 2300, MedGen C0220744, MONDO:0009465.

gnomAD v4.1: 2 of 1,614,086 alleles (0.00012%); highest among the groups gnomAD compares: Admixed American, 0.0017%; no homozygotes.

Submission:

Labcorp Genetics (formerly Invitae), Labcorp
Classification: Uncertain significance for Multiple gastrointestinal atresias. Last evaluated: 2023-10-22. Review status: criteria provided, single submitter. Criteria: Invitae Variant Classification Sherloc (09022015). Collection method: clinical testing. Allele origin: germline.
Comment: This sequence change replaces valine, which is neutral and non-polar, with leucine, which is neutral and non-polar, at codon 267 of the TTC7A protein (p.Val267Leu). This variant is present in population databases (no rsID available, gnomAD 0.01%). This variant has not been reported in the literature in individuals affected with TTC7A-related conditions. Advanced modeling of protein sequence and biophysical properties (such as structural, functional, and spatial information, amino acid conservation, physicochemical variation, residue mobility, and thermodynamic stability) performed at Invitae indicates that this missense variant is not expected to disrupt TTC7A protein function. In summary, the available evidence is currently insufficient to determine the role of this variant in disease. Therefore, it has been classified as a Variant of Uncertain Significance.

NM_020458.4(TTC7A):c.799G>T (p.Val267Leu)

Gene: TTC7A (tetratricopeptide repeat domain 7A; plus strand). Cytogenetic location: 2p21.
Variant type: single nucleotide variant.
Coding change: c.799G>T on transcript NM_020458.4 (MANE Select); coding-DNA position 799, G replaced by T.
Protein change: p.Val267Leu; replaces valine 267 with leucine.
Molecular consequence: missense variant. On other transcripts: 5 prime UTR variant (1).
Genome position (GRCh38, 1-based): chr2:46,993,484, G>T. VCF-style: chr2-46993484-G-T. GRCh37 (hg19) VCF-style: chr2-47220623-G-T.
Other names: c.799G>T, p.Val267Leu (NM_001288951.2); c.697G>T, p.Val233Leu (NM_001288953.2); c.-106G>T (NM_001288955.2); short protein forms V233L, V267L.
Identifiers: ClinVar variation 2870097 (VCV002870097.3), dbSNP rs768134160, ClinGen allele CA346713197.